The following is an entry in ClinVar:

NM_000083.3(CLCN1):c.2497A>G (p.Thr833Ala)

Gene: CLCN1 (chloride voltage-gated channel 1; plus strand). Cytogenetic location: 7q34.
Variant type: single nucleotide variant.
Coding change: c.2497A>G on transcript NM_000083.3 (MANE Select); coding-DNA position 2497, A replaced by G.
Protein change: p.Thr833Ala; replaces threonine 833 with alanine.
Molecular consequence: missense variant. On other transcripts: non-coding transcript variant (1).
Genome position (GRCh38, 1-based): chr7:143,350,465, A>G. VCF-style: chr7-143350465-A-G. GRCh37 (hg19) VCF-style: chr7-143047558-A-G.
Other names: short protein forms T833A.
Identifiers: ClinVar variation 462839 (VCV000462839.8), dbSNP rs112068131, ClinGen allele CA168230454.

ClinVar aggregate classification (germline): Uncertain significance (1 of 4 stars; one submission).

Conditions:
Congenital myotonia, autosomal recessive form. Also called: myotonia congenita, autosomal recessive; BECKER DISEASE; Becker Generalized Myotonia. Identifiers: Orphanet 614, MedGen C0751360, MONDO:0009715, OMIM 255700.
Congenital myotonia, autosomal dominant form (THD). Also called: Myotonia congenita autosomal dominant; THOMSEN DISEASE. Identifiers: Orphanet 614, MedGen C2936781, MONDO:0008055, OMIM 160800.

Allele frequency attached by ClinVar (database versions not stated): gnomAD exomes below 0.00001; TOPMed below 0.00001; gnomAD 0.00001.
gnomAD v4.1: 12 of 1,613,900 alleles (0.00074%); highest among the groups gnomAD compares: African/African-American, 0.0053%; no homozygotes.

Submission:

Labcorp Genetics (formerly Invitae), Labcorp
Classification: Uncertain significance for Congenital myotonia, autosomal recessive form; Congenital myotonia, autosomal dominant form. Last evaluated: 2024-08-27. Review status: criteria provided, single submitter. Criteria: Invitae Variant Classification Sherloc (09022015). Collection method: clinical testing. Allele origin: germline.
Comment: This sequence change replaces threonine, which is neutral and polar, with alanine, which is neutral and non-polar, at codon 833 of the CLCN1 protein (p.Thr833Ala). This variant is present in population databases (rs112068131, gnomAD 0.007%). This variant has not been reported in the literature in individuals affected with CLCN1-related conditions. ClinVar contains an entry for this variant (Variation ID: 462839). Invitae Evidence Modeling of protein sequence and biophysical properties (such as structural, functional, and spatial information, amino acid conservation, physicochemical variation, residue mobility, and thermodynamic stability) has been performed for this missense variant. However, the output from this modeling did not meet the statistical confidence thresholds required to predict the impact of this variant on CLCN1 protein function. In summary, the available evidence is currently insufficient to determine the role of this variant in disease. Therefore, it has been classified as a Variant of Uncertain Significance.